The following is an entry in ClinVar:

NM_005219.5(DIAPH1):c.2605A>C (p.Met869Leu)

Gene: DIAPH1 (diaphanous related formin 1; minus strand). Cytogenetic location: 5q31.3.
Variant type: single nucleotide variant.
Coding change: c.2605A>C on transcript NM_005219.5 (MANE Select); coding-DNA position 2605, A replaced by C.
Protein change: p.Met869Leu; replaces methionine 869 with leucine.
Molecular consequence: missense variant.
Genome position (GRCh38, 1-based): chr5:141,529,674, T>G on the plus strand (A>C on the coding strand, the complement: DIAPH1 is on the minus strand). VCF-style: chr5-141529674-T-G. GRCh37 (hg19) VCF-style: chr5-140909241-T-G.
Other names: c.2578A>C, p.Met860Leu (NM_001079812.3); c.2605A>C, p.Met869Leu (NM_001314007.2); short protein forms M860L, M869L.
Identifiers: ClinVar variation 2120709 (VCV002120709.4), dbSNP rs1204485610, ClinGen allele CA361586579.
Genomic context (GRCh38, chr5:141,529,674, plus strand): 5'-ACTCAGTCAGAACAGCCTCATTCACCTCCAGGATGACATTCTTAATCTCTTGATAGGGCA[T>G]GCGGAAGGAACCCAAAAAGATTGCTGCCAGAAAATGAGATATTAAGACATGTTCTTCTCG-3'
Protein context (NP_005210.3, residues 859-879): NLSIFLGSFR[Met869Leu]PYQEIKNVIL

ClinVar aggregate classification (germline): Uncertain significance (1 of 4 stars; one submission).

Conditions:
Autosomal dominant nonsyndromic hearing loss 1. Also called: KONIGSMARK SYNDROME; DEAFNESS, AUTOSOMAL DOMINANT 1, WITH OR WITHOUT THROMBOCYTOPENIA. Identifiers: Orphanet 90635, MedGen C1852282, MONDO:0007424, OMIM 124900.
Progressive microcephaly-seizures-cortical blindness-developmental delay syndrome. Also called: Seizures, cortical blindness, and microcephaly syndrome. Identifiers: Orphanet 477814, MedGen C5567650, MONDO:0014714, OMIM 616632.

Allele frequency attached by ClinVar (database versions not stated): gnomAD exomes 0.00001.
gnomAD v4.1: 3 of 1,614,188 alleles (0.00019%); highest among the groups gnomAD compares: Admixed American, 0.005%; no homozygotes.

Submission:

Labcorp Genetics (formerly Invitae), Labcorp
Classification: Uncertain significance for Progressive microcephaly-seizures-cortical blindness-developmental delay syndrome; Autosomal dominant nonsyndromic hearing loss 1. Last evaluated: 2023-11-27. Review status: criteria provided, single submitter. Criteria: Invitae Variant Classification Sherloc (09022015). Collection method: clinical testing. Allele origin: germline.
Comment: This sequence change replaces methionine, which is neutral and non-polar, with leucine, which is neutral and non-polar, at codon 869 of the DIAPH1 protein (p.Met869Leu). This variant is present in population databases (no rsID available, gnomAD 0.006%). This variant has not been reported in the literature in individuals affected with DIAPH1-related conditions. ClinVar contains an entry for this variant (Variation ID: 2120709). An algorithm developed to predict the effect of missense changes on protein structure and function (PolyPhen-2) suggests that this variant is likely to be tolerated. In summary, the available evidence is currently insufficient to determine the role of this variant in disease. Therefore, it has been classified as a Variant of Uncertain Significance.